The following is an entry in ClinVar:

NM_022124.6(CDH23):c.982G>A (p.Ala328Thr)

Gene: CDH23 (cadherin related 23; plus strand). Cytogenetic location: 10q22.1.
Variant type: single nucleotide variant.
Coding change: c.982G>A on transcript NM_022124.6 (MANE Select); coding-DNA position 982, G replaced by A.
Protein change: p.Ala328Thr; replaces alanine 328 with threonine.
Molecular consequence: missense variant.
Genome position (GRCh38, 1-based): chr10:71,617,241, G>A. VCF-style: chr10-71617241-G-A. GRCh37 (hg19) VCF-style: chr10-73376998-G-A.
Other names: c.982G>A, p.Ala328Thr (NM_001171930.2, NM_001171931.2, NM_001171932.2 and 1 more transcripts); short protein forms A328T.
Identifiers: ClinVar variation 618006 (VCV000618006.34), dbSNP rs374545987, ClinGen allele CA5543616.

ClinVar aggregate classification (germline): Conflicting classifications of pathogenicity. Review status: criteria provided, conflicting classifications (1 of 4 stars). 14 submissions from 12 submitters: Uncertain significance (12); Likely benign (1). 1 of the submissions does not count toward it. Last evaluated 2026-02-02.

Conditions:
CDH23-related disorder. Also called: CDH23-related disorders; CDH23-related condition.
Pituitary adenoma 5, multiple types. Identifiers: MedGen C4539685, MONDO:0054601, OMIM 617540.
Autosomal recessive nonsyndromic hearing loss 12. Also called: DEAFNESS, AUTOSOMAL RECESSIVE 12. Identifiers: Orphanet 90636, MedGen C1832394, MONDO:0011067, OMIM 601386.
Usher syndrome type 1D (USH1D). Also called: USHER SYNDROME, TYPE ID. Identifiers: Orphanet 231169, Orphanet 886, MedGen C1832845, MONDO:0010984, OMIM 601067.
Usher syndrome type 1 (USH1). Also called: RETINITIS PIGMENTOSA AND CONGENITAL DEAFNESS. Identifiers: Orphanet 231169, Orphanet 886, MedGen C1568247, MONDO:0010168, OMIM 276900.

Allele frequency attached by ClinVar (database versions not stated): gnomAD exomes 0.00002 and 0.00009; gnomAD 0.00004 and 0.00005; TOPMed 0.00006; ExAC 0.00007; 1000 Genomes Project 0.00040; 1000 Genomes Project 30x 0.00047.
gnomAD v4.1: 77 of 1,613,924 alleles (0.0048%); highest among the groups gnomAD compares: East Asian, 0.069%; no homozygotes.

Submissions (14):

Labcorp Genetics (formerly Invitae), Labcorp
Classification: Likely benign. Last evaluated: 2026-02-02. Review status: criteria provided, single submitter. Criteria: Invitae Variant Classification Sherloc (09022015). Collection method: clinical testing. Allele origin: germline.

PreventionGenetics, part of Exact Sciences
Classification: Uncertain significance for CDH23-related condition. Last evaluated: 2025-12-31. Review status: criteria provided, single submitter. Criteria: ACMG Guidelines, 2015. Collection method: clinical testing. Allele origin: germline.
Comment: The CDH23 c.982G>A variant is predicted to result in the amino acid substitution p.Ala328Thr. To our knowledge, this variant has not been reported in the literature. This variant is reported in 0.089% of alleles in individuals of East Asian descent in gnomAD. Although we suspect that this variant may be benign, at this time, the clinical significance of this variant is uncertain due to the absence of conclusive functional and genetic evidence.

CeGaT Center for Human Genetics Tuebingen
Classification: Uncertain significance. Last evaluated: 2025-12-01. Review status: criteria provided, single submitter. Criteria: CeGaT Center For Human Genetics Tuebingen Variant Classification Criteria Version 2. Collection method: clinical testing. Allele origin: germline. Affected: yes. Observed: 1 variant allele.
Comment: CDH23: PM2

Women's Health and Genetics/Laboratory Corporation of America, LabCorp
Classification: Uncertain significance. Last evaluated: 2025-11-11. Review status: criteria provided, single submitter. Criteria: LabCorp Variant Classification Summary - May 2015. Collection method: clinical testing. Allele origin: germline.
Comment: Variant summary: CDH23 c.982G>A (p.Ala328Thr) results in a non-conservative amino acid change in the encoded protein sequence. Algorithms developed to predict the effect of missense changes on protein structure and function are either unavailable or do not agree on the potential impact of this missense change. The variant allele was found at a frequency of 8.8e-05 in 249252 control chromosomes. This frequency is not significantly higher than estimated for disease-causing variants in CDH23, allowing no conclusion about variant significance. c.982G>A has been observed in individual(s) affected with hearing loss (example: Zeng_2022). These report(s) do not provide unequivocal conclusions about association of the variant with Usher Syndrome. To our knowledge, no experimental evidence demonstrating an impact on protein function has been reported. The following publication has been ascertained in the context of this evaluation (PMID: 36568381). ClinVar contains an entry for this variant (Variation ID: 618006). Based on the evidence outlined above, the variant was classified as uncertain significance.

GeneDx
Classification: Uncertain significance. Last evaluated: 2025-11-07. Review status: criteria provided, single submitter. Criteria: GeneDx Variant Classification Process June 2021. Collection method: clinical testing. Allele origin: germline. Affected: yes.
Comment: In silico analysis suggests that this missense variant does not alter protein structure/function; Has not been previously published as pathogenic or benign to our knowledge

Blueprint Genetics
Classification: Uncertain significance. Last evaluated: 2024-10-09. Review status: criteria provided, single submitter. Criteria: ACMG Guidelines, 2015. Collection method: clinical testing. Allele origin: germline.

Baylor Genetics
Classification: Uncertain significance for Pituitary adenoma 5, multiple types. Last evaluated: 2023-09-13. Review status: criteria provided, single submitter. Criteria: ACMG Guidelines, 2015. Collection method: clinical testing. Allele origin: unknown.

Fulgent Genetics
Classification: Uncertain significance for Usher syndrome type 1D; Autosomal recessive nonsyndromic hearing loss 12; Pituitary adenoma 5, multiple types. Last evaluated: 2021-07-19. Review status: criteria provided, single submitter. Criteria: ACMG Guidelines, 2015. Collection method: clinical testing. Allele origin: unknown.

Athena Diagnostics
Classification: Uncertain significance. Last evaluated: 2019-10-28. Review status: criteria provided, single submitter. Criteria: Athena Diagnostics Criteria. Collection method: clinical testing. Allele origin: unknown.

Baylor Genetics
Classification: Uncertain significance for Autosomal recessive nonsyndromic hearing loss 12. Last evaluated: 2019-09-10. Review status: criteria provided, single submitter. Criteria: ACMG Guidelines, 2015. Collection method: clinical testing. Allele origin: unknown. Affected: yes.
Comment: This variant was determined to be of uncertain significance according to ACMG Guidelines, 2015 [PMID:25741868].

Illumina Laboratory Services, Illumina
Classification: Uncertain significance for Usher syndrome type 1D. Last evaluated: 2018-01-13. Review status: criteria provided, single submitter. Criteria: ICSL Variant Classification Criteria 13 December 2019. Collection method: clinical testing. Allele origin: germline.

Illumina Laboratory Services, Illumina
Classification: Uncertain significance for Autosomal recessive nonsyndromic hearing loss 12. Last evaluated: 2018-01-13. Review status: criteria provided, single submitter. Criteria: ICSL Variant Classification Criteria 13 December 2019. Collection method: clinical testing. Allele origin: germline.

ARUP Laboratories, Molecular Genetics and Genomics, ARUP Laboratories
Classification: Uncertain significance. Last evaluated: 2017-07-06. Review status: criteria provided, single submitter. Criteria: ARUP Molecular Germline Variant Investigation Process. Collection method: clinical testing. Allele origin: germline.
Comment: The p.Ala328Thr variant (rs374545987) has not been reported in the medical literature. It is listed in the Exome Aggregation Consortium (ExAC) browser with an overall frequency of 0.007% (identified in 8 out of 120,060 chromosomes). The alanine at codon 328 is highly conserved considering 11 species up to Chicken (Alamut software v2.8.1), and computational analyses suggest this variant has a significant effect on CDH23 protein structure/function (SIFT: damaging, PolyPhen2: probably damaging, and Mutation Taster: disease causing). However, based on the available information, the clinical significance of the p.Ala328Thr variant cannot be determined with certainty.

Natera, Inc.
Classification: Uncertain significance for Usher syndrome type 1. Last evaluated: 2020-04-11. Review status: no assertion criteria provided. Collection method: clinical testing. Allele origin: germline. Not counted in ClinVar's aggregate classification.

Literature cited by the submitters: PubMed 36568381 (cited by Women's Health and Genetics/Laboratory Corporation of America, LabCorp).